The following is an entry in ClinVar:

NM_001379291.1(BRD4):c.2812_2814del (p.Val938del)

Gene: BRD4 (bromodomain containing 4; minus strand). Cytogenetic location: 19p13.12.
Variant type: Deletion.
Coding change: c.2812_2814del on transcript NM_001379291.1 (MANE Select); coding-DNA positions 2812 to 2814, 3 bases deleted (GTG; older notation c.2812_2814delGTG).
Protein change: p.Val938del; deletes valine 938.
Molecular consequence: inframe deletion.
Genome position (GRCh38, 1-based): chr19:15,243,255-15,243,257, CAC deleted on the plus strand (GTG on the coding strand, the reverse complement: BRD4 is on the minus strand); deleting any 3 consecutive bases within chr19:15,243,255-15,243,258 gives the same sequence; the c. name uses the placement nearest the transcript's 3' end. VCF-style (leftmost placement, unchanged base first): chr19-15243254-GCAC-G. GRCh37 (hg19) VCF-style: chr19-15354065-GCAC-G.
Other names: c.2812_2814del, p.Val938del (NM_058243.3); short protein forms V938del.
Identifiers: ClinVar variation 2413226 (VCV002413226.5), dbSNP rs2047255267, ClinGen allele CA993915996.

ClinVar aggregate classification (germline): Uncertain significance (1 of 4 stars; one submission).

Submission:

Labcorp Genetics (formerly Invitae), Labcorp
Classification: Uncertain significance. Last evaluated: 2024-10-04. Review status: criteria provided, single submitter. Criteria: Invitae Variant Classification Sherloc (09022015). Collection method: clinical testing. Allele origin: germline.
Comment: This variant, c.2812_2814del, results in the deletion of 1 amino acid(s) of the BRD4 protein (p.Val938del), but otherwise preserves the integrity of the reading frame. This variant is not present in population databases (gnomAD no frequency). This variant has not been reported in the literature in individuals affected with BRD4-related conditions. ClinVar contains an entry for this variant (Variation ID: 2413226). Experimental studies and prediction algorithms are not available or were not evaluated, and the functional significance of this variant is currently unknown. In summary, the available evidence is currently insufficient to determine the role of this variant in disease. Therefore, it has been classified as a Variant of Uncertain Significance.